The following is an entry in ClinVar:

ClinVar aggregate classification (germline): Uncertain significance. Review status: criteria provided, multiple submitters, no conflicts (2 of 4 stars). 2 submissions from 2 submitters: Uncertain significance (2). Last evaluated 2022-11-15.

Allele frequency attached by ClinVar (database versions not stated): gnomAD 0.00001; gnomAD exomes 0.00003; TOPMed 0.00003.
gnomAD v4.1: 43 of 1,613,928 alleles (0.0027%); highest among the groups gnomAD compares: Non-Finnish European, 0.0036%; no homozygotes.

Submissions (2):

Labcorp Genetics (formerly Invitae), Labcorp
Classification: Uncertain significance. Last evaluated: 2022-11-15. Review status: criteria provided, single submitter. Criteria: Invitae Variant Classification Sherloc (09022015). Collection method: clinical testing. Allele origin: germline.
Comment: In summary, the available evidence is currently insufficient to determine the role of this variant in disease. Therefore, it has been classified as a Variant of Uncertain Significance. Advanced modeling of protein sequence and biophysical properties (such as structural, functional, and spatial information, amino acid conservation, physicochemical variation, residue mobility, and thermodynamic stability) performed at Invitae indicates that this missense variant is not expected to disrupt CNNM4 protein function. This variant has not been reported in the literature in individuals affected with CNNM4-related conditions. This variant is present in population databases (no rsID available, gnomAD 0.01%). This sequence change replaces proline, which is neutral and non-polar, with serine, which is neutral and polar, at codon 350 of the CNNM4 protein (p.Pro350Ser).

Blueprint Genetics
Classification: Uncertain significance. Last evaluated: 2022-01-29. Review status: criteria provided, single submitter. Criteria: ACMG Guidelines, 2015. Collection method: clinical testing. Allele origin: germline.

NM_020184.4(CNNM4):c.1048C>T (p.Pro350Ser)

Gene: CNNM4 (cyclin and CBS domain divalent metal cation transport mediator 4; plus strand). Cytogenetic location: 2q11.2.
Variant type: single nucleotide variant.
Coding change: c.1048C>T on transcript NM_020184.4 (MANE Select); coding-DNA position 1048, C replaced by T.
Protein change: p.Pro350Ser; replaces proline 350 with serine.
Molecular consequence: missense variant.
Genome position (GRCh38, 1-based): chr2:96,762,047, C>T. VCF-style: chr2-96762047-C-T. GRCh37 (hg19) VCF-style: chr2-97427784-C-T.
Other names: short protein forms P350S.
Identifiers: ClinVar variation 1957669 (VCV001957669.4), dbSNP rs970585969, ClinGen allele CA52467360.
Genomic context (GRCh38, chr2:96,762,047, plus strand): 5'-CAGGAGATTCGCACTGTTTACAACCGGGAGAAGCTGATGGAGATGTTGAAGGTGACGGAG[C>T]CCTATAATGACCTCGTGAAAGAGGAGCTCAATATGATCCAGGGTGCCCTGGAACTACGGA-3'
Protein context (NP_064569.3, residues 340-360): KLMEMLKVTE[Pro350Ser]YNDLVKEELN